The following is an entry in ClinVar:

NM_000234.3(LIG1):c.41A>G (p.Glu14Gly)

Gene: LIG1 (DNA ligase 1; minus strand). Cytogenetic location: 19q13.33.
Variant type: single nucleotide variant.
Coding change: c.41A>G on transcript NM_000234.3 (MANE Select); coding-DNA position 41, A replaced by G.
Protein change: p.Glu14Gly; replaces glutamic acid 14 with glycine.
Molecular consequence: missense variant. On other transcripts: non-coding transcript variant (2), intron variant (2).
Genome position (GRCh38, 1-based): chr19:48,162,328, T>C on the plus strand (A>G on the coding strand, the complement: LIG1 is on the minus strand). VCF-style: chr19-48162328-T-C. GRCh37 (hg19) VCF-style: chr19-48665585-T-C.
Other names: c.41A>G, p.Glu14Gly (NM_001289064.2, NM_001320970.2); c.18-821A>G (NM_001289063.2, NM_001320971.2); short protein forms E14G.
Identifiers: ClinVar variation 3700428 (VCV003700428.2).

ClinVar aggregate classification (germline): Uncertain significance (1 of 4 stars; one submission).

Submission:

Labcorp Genetics (formerly Invitae), Labcorp
Classification: Uncertain significance. Last evaluated: 2024-10-06. Review status: criteria provided, single submitter. Criteria: Invitae Variant Classification Sherloc (09022015). Collection method: clinical testing. Allele origin: germline.
Comment: This sequence change replaces glutamic acid, which is acidic and polar, with glycine, which is neutral and non-polar, at codon 14 of the LIG1 protein (p.Glu14Gly). This variant is not present in population databases (gnomAD no frequency). This variant has not been reported in the literature in individuals affected with LIG1-related conditions. An algorithm developed to predict the effect of missense changes on protein structure and function (PolyPhen-2) suggests that this variant is likely to be disruptive. In summary, the available evidence is currently insufficient to determine the role of this variant in disease. Therefore, it has been classified as a Variant of Uncertain Significance.